The following is an entry in ClinVar:

ClinVar aggregate classification (germline): Likely benign (1 of 4 stars; one submission).

Conditions:
ZFYVE19-related disorder. Also called: ZFYVE19-related condition.

Submission:

PreventionGenetics, part of Exact Sciences
Classification: Likely benign for ZFYVE19-related condition. Last evaluated: 2026-02-26. Review status: criteria provided, single submitter. Criteria: ACMG Guidelines, 2015. Collection method: clinical testing. Allele origin: germline.
Comment: This variant is classified as likely benign based on ACMG/AMP sequence variant interpretation guidelines (Richards et al. 2015 PMID: 25741868, with internal and published modifications).

NM_001077268.2(ZFYVE19):c.93G>C (p.Gly31=)

Gene: ZFYVE19 (zinc finger FYVE-type containing 19; plus strand). Cytogenetic location: 15q15.1.
Variant type: single nucleotide variant.
Coding change: c.93G>C on transcript NM_001077268.2 (MANE Select); coding-DNA position 93, G replaced by C.
Protein change: p.Gly31=; no amino-acid change (glycine 31 retained).
Molecular consequence: synonymous variant. On other transcripts: intron variant (2).
Genome position (GRCh38, 1-based): chr15:40,807,682, G>C. VCF-style: chr15-40807682-G-C. GRCh37 (hg19) VCF-style: chr15-41099880-G-C.
Other names: c.93G>C, p.Gly31= (NM_001258420.2); c.-247+11G>C (NM_001258421.2); c.125+269G>C (NM_032850.5).
Identifiers: ClinVar variation 4980035 (VCV004980035.1).